The following is an entry in ClinVar:

ClinVar aggregate classification (germline): not provided (0 of 4 stars; one submission).

Conditions:
Familial long QT syndrome (RWS). Also called: Congenital long QT syndrome; Romano-Ward syndrome; VENTRICULAR FIBRILLATION WITH PROLONGED QT INTERVAL. Identifiers: Orphanet 768, MedGen C1141890, MONDO:0019171.

Submission:

Cardiovascular Biomedical Research Unit, Royal Brompton & Harefield NHS Foundation Trust
No classification provided. Condition: Familial long QT syndrome. Review status: no classification provided. Collection method: literature only. Allele origin: germline.
Comment: This variant has been reported in the following publications (PMID:16217063;PMID:17568571).

Literature cited by the submitters: PubMed 16217063; PubMed 17568571; PubMed 22581653.

NM_000891.3(KCNJ2):c.202T>G (p.Tyr68Asp)

Gene: KCNJ2 (potassium inwardly rectifying channel subfamily J member 2; plus strand). Cytogenetic location: 17q24.3.
Variant type: single nucleotide variant.
Coding change: c.202T>G on transcript NM_000891.3 (MANE Select); coding-DNA position 202, T replaced by G.
Protein change: p.Tyr68Asp; replaces tyrosine 68 with aspartic acid.
Molecular consequence: missense variant.
Genome position (GRCh38, 1-based): chr17:70,175,241, T>G. VCF-style: chr17-70175241-T-G. GRCh37 (hg19) VCF-style: chr17-68171382-T-G.
Other names: c.202T>G (LRG_328t1); short protein forms Y68D.
Identifiers: ClinVar variation 67561 (VCV000067561.1), dbSNP rs199473651, ClinGen allele CA329639.